The following is an entry in ClinVar:

NM_172250.3(MMAA):c.489del (p.Phe163fs)

Gene: MMAA (metabolism of cobalamin associated A; plus strand). Cytogenetic location: 4q31.21.
Variant type: Deletion.
Coding change: c.489del on transcript NM_172250.3 (MANE Select); coding-DNA position 489, one base deleted (T; older notation c.489delT).
Protein change: p.Phe163fs; shifts the reading frame from phenylalanine 163.
Molecular consequence: frameshift variant.
Genome position (GRCh38, 1-based): chr4:145,642,412, T deleted; the last of 4 consecutive T bases (chr4:145,642,409-145,642,412); deleting any one gives the same sequence. VCF-style (leftmost placement, unchanged base first): chr4-145642408-AT-A. GRCh37 (hg19) VCF-style: chr4-146563560-AT-A.
Other names: short protein forms F163fs.
Identifiers: ClinVar variation 451256 (VCV000451256.3), dbSNP rs1553958143, ClinGen allele CA658657402.
Genomic context (GRCh38, chr4:145,642,408, plus strand): 5'-CTCTTTCCACCGTAGGATTGTCTGGGCCCCCTGGTGCTGGAAAATCAACATTTATAGAAT[AT>A]TTTGGAAAAATGCTTACTGAGAGAGGGCACAAATTATCTGTGCTAGCTGTGGACCCTTCT-3'

ClinVar aggregate classification (germline): Pathogenic. Review status: criteria provided, multiple submitters, no conflicts (2 of 4 stars). 2 submissions from 2 submitters: Pathogenic (2). Last evaluated 2024-05-08.

Conditions:
Methylmalonic aciduria, cblA type (MACA). Also called: Methylmalonic aciduria, vitamin b12-responsive, due to defect in synthesis of adenosylcobalamin, cbla complementation type; MMA cbl A type; Methylmalonic acidemia cblA type; Methylmalonic aciduria, vitamin B12-responsive; Vitamin B12-responsive methylmalonic acidemia type cblA. Identifiers: Orphanet 28, Orphanet 79310, MedGen C1855109, MONDO:0009613, OMIM 251100.

Submissions (2):

Myriad Genetics, Inc.
Classification: Pathogenic for Methylmalonic aciduria, cblA type. Last evaluated: 2024-05-08. Review status: criteria provided, single submitter. Criteria: Myriad Autosomal Dominant, Autosomal Recessive and X-Linked Classification Criteria (2023). Collection method: clinical testing. Allele origin: unknown.
Comment: NM_172250.2(MMAA):c.489delT(F163Lfs*15) is expected to be pathogenic in the context of methylmalonic acidemia, cblA type. This variant is predicted to lead to an abnormal or absent protein product due to the creation of a premature termination codon in MMAA, a gene where loss-of-function variants are known to be pathogenic. Please note: this variant was assessed in the context of healthy population screening.

GeneDx
Classification: Pathogenic. Last evaluated: 2017-08-14. Review status: criteria provided, single submitter. Criteria: GeneDx Variant Classification (06012015). Collection method: clinical testing. Allele origin: germline. Affected: yes.
Comment: The c.489delT variant has not been published as a pathogenic variant, nor has it been reported as a benign variant to our knowledge. The c.489delT variant is not observed in large population cohorts (Lek et al., 2016; 1000 Genomes Consortium et al., 2015; Exome Variant Server). The c.489delT variant causes a frameshift starting with codon Phenylalanine 163, changes this amino acid to a Leucine residue and creates a premature Stop codon at position 15 of the new reading frame, denoted p.Phe163LeufsX15. This variant is predicted to cause loss of normal protein function either through protein truncation or nonsense-mediated mRNA decay. In summary, we interpret this variant as pathogenic.